The following is an entry in ClinVar:

NM_018292.5(QRSL1):c.1216_1218delinsTTT (p.Asp406Phe)

Gene: QRSL1 (glutaminyl-tRNA amidotransferase subunit QRSL1; plus strand). Cytogenetic location: 6q21.
Variant type: Indel.
Coding change: c.1216_1218delinsTTT on transcript NM_018292.5 (MANE Select); coding-DNA positions 1216 to 1218, GAC replaced by TTT.
Protein change: p.Asp406Phe; replaces aspartic acid 406 with phenylalanine.
Molecular consequence: missense variant.
Genome position (GRCh38, 1-based): chr6:106,663,035-106,663,037, GAC replaced by TTT. VCF-style: chr6-106663035-GAC-TTT. GRCh37 (hg19) VCF-style: chr6-107110910-GAC-TTT.
Other names: short protein forms D406F.
Identifiers: ClinVar variation 2637402 (VCV002637402.1), dbSNP rs2482537830, ClinGen allele CA2695198319.

ClinVar aggregate classification (germline): Uncertain significance (1 of 4 stars; one submission).

Conditions:
QRSL1-related disorder. Also called: QRSL1-related condition.

Submission:

PreventionGenetics, part of Exact Sciences
Classification: Uncertain significance for QRSL1-related condition. Last evaluated: 2022-10-17. Review status: criteria provided, single submitter. Criteria: ACMG Guidelines, 2015. Collection method: clinical testing. Allele origin: germline.
Comment: The QRSL1 c.1216_1218delinsTTT variant is predicted to result in an in-frame deletion and insertion. To our knowledge, this variant has not been reported in the literature or in a large population database, indicating this variant is rare. At this time, the clinical significance of this variant is uncertain due to the absence of conclusive functional and genetic evidence.